The following is an entry in ClinVar:

NM_001369.3(DNAH5):c.2398_2408del (p.Glu800fs)

Genes: DNAH5 (dynein axonemal heavy chain 5; minus strand), DNAH5-AS1 (DNAH5 antisense RNA 1; plus strand). Cytogenetic location: 5p15.2.
Variant type: Deletion.
Coding change: c.2398_2408del on transcript NM_001369.3 (MANE Select); coding-DNA positions 2398 to 2408, 11 bases deleted (GAGGCTTATTT).
Protein change: p.Glu800fs; shifts the reading frame from glutamic acid 800.
Molecular consequence: frameshift variant.
Genome position (GRCh38, 1-based): chr5:13,894,673-13,894,683, AAATAAGCCTC deleted on the plus strand (GAGGCTTATTT on the coding strand, the reverse complement: DNAH5 is on the minus strand); deleting any 11 consecutive bases within chr5:13,894,673-13,894,685 gives the same sequence; the c. name uses the placement nearest the transcript's 3' end. VCF-style (leftmost placement, unchanged base first): chr5-13894672-TAAATAAGCCTC-T. GRCh37 (hg19) VCF-style: chr5-13894781-TAAATAAGCCTC-T.
Other names: short protein forms E800fs.
Identifiers: ClinVar variation 1724126 (VCV001724126.2), dbSNP rs2547068554, ClinGen allele CA2580072207.

ClinVar aggregate classification (germline): Likely pathogenic (1 of 4 stars; one submission).

Conditions:
Primary ciliary dyskinesia 3. Identifiers: Orphanet 244, MedGen C1837618, MONDO:0012085, OMIM 608644.

Submission:

Myriad Genetics, Inc.
Classification: Likely pathogenic for Primary ciliary dyskinesia 3. Last evaluated: 2022-01-26. Review status: criteria provided, single submitter. Criteria: Myriad Women's Health Autosomal Recessive and X-Linked Classification Criteria (2021). Collection method: clinical testing. Allele origin: unknown.
Comment: NM_001369.2(DNAH5):c.2398_2408del11(E800Rfs*15) is expected to be pathogenic in the context of DNAH5-related primary ciliary dyskinesia. This variant is predicted to lead to an abnormal or absent protein product due to the creation of a premature termination codon in DNAH5, a gene where loss-of-function variants are known to be pathogenic. Please note: this variant was assessed in the context of healthy population screening.